The following is an entry in ClinVar:

NM_001023.4(RPS20):c.103+1G>A

Gene: RPS20 (ribosomal protein S20; minus strand). Cytogenetic location: 8q12.1.
Variant type: single nucleotide variant.
Coding change: c.103+1G>A on transcript NM_001023.4 (MANE Select); the canonical splice donor site of the intron after coding-DNA position 103, G replaced by A.
Molecular consequence: splice donor variant.
Genome position (GRCh38, 1-based): chr8:56,074,059, C>T on the plus strand (G>A on the coding strand, the complement: RPS20 is on the minus strand). VCF-style: chr8-56074059-C-T. GRCh37 (hg19) VCF-style: chr8-56986618-C-T.
Other names: c.103+1G>A (NM_001146227.3).
Identifiers: ClinVar variation 4863479 (VCV004863479.1).
Genomic context (GRCh38, chr8:56,074,059, plus strand): 5'-GAGTAAAGCTCGTCGCTTTTCGCCCAATTCCCCCTCCCCCCCGCATAACGAATGCACTGA[C>T]CCTTTTCCAAGGATTTTACGTTGCGGCTTGTTAGGGTGATTCGAATTCGGTGAATTGCCA-3'

ClinVar aggregate classification (germline): Likely pathogenic (1 of 4 stars; one submission).

Submission:

Ambry Genetics
Classification: Likely pathogenic. Last evaluated: 2026-04-28. Review status: criteria provided, single submitter. Criteria: Ambry Variant Classification Scheme 2023. Collection method: clinical testing. Allele origin: germline.
Comment: The c.103+1G>A intronic variant results from a G to A substitution one nucleotide after coding exon 2 of the RPS20 gene. This variant was reported in individual(s) with features consistent with RPS20-related colorectal cancer predisposition (Herrera-Mullar J et al. JCO Precis Oncol, 2025 Aug;9:e2500214; Ambry internal data). This variant is considered to be rare based on population cohorts in the Genome Aggregation Database (gnomAD). This nucleotide position is highly conserved in available vertebrate species. In silico splice site analysis predicts that this alteration will weaken the native splice donor site and will result in the creation or strengthening of a novel splice donor site. RNA studies have demonstrated that this variant results in abnormal splicing in the set of samples tested (Ambry internal data). Variants that disrupt the canonical splice site are expected to cause aberrant splicing, resulting in an abnormal protein or a transcript that is subject to nonsense-mediated mRNA decay. As such, this variant is classified as likely pathogenic.

Literature cited by the submitters: PubMed 40865030.